The following is an entry in ClinVar:

NM_170784.3(MKKS):c.47del (p.Pro16fs)

Gene: MKKS (MKKS centrosomal shuttling protein; minus strand). Cytogenetic location: 20p12.2.
Variant type: Deletion.
Coding change: c.47del on transcript NM_170784.3 (MANE Select); coding-DNA position 47, one base deleted (C; older notation c.47delC).
Protein change: p.Pro16fs; shifts the reading frame from proline 16.
Molecular consequence: frameshift variant.
Genome position (GRCh38, 1-based): chr20:10,413,468, G deleted on the plus strand (C on the coding strand, the reverse complement: MKKS is on the minus strand); the first of 2 consecutive G bases (chr20:10,413,468-10,413,469); deleting either gives the same sequence. VCF-style (leftmost placement, unchanged base first): chr20-10413467-TG-T. GRCh37 (hg19) VCF-style: chr20-10394115-TG-T.
Other names: c.47del, p.Pro16fs (NM_018848.3); short protein forms P16fs.
Identifiers: ClinVar variation 958277 (VCV000958277.7), dbSNP rs1224308508, ClinGen allele CA741042209.

ClinVar aggregate classification (germline): Pathogenic (1 of 4 stars; one submission).

Conditions:
Bardet-Biedl syndrome (BBS). Identifiers: Orphanet 110, MedGen C0752166, MONDO:0015229.
McKusick-Kaufman syndrome (MKKS). Also called: HYDROMETROCOLPOS SYNDROME; HYDROMETROCOLPOS, POSTAXIAL POLYDACTYLY, AND CONGENITAL HEART MALFORMATION. Identifiers: Orphanet 2473, MedGen C0948368, MONDO:0009367, OMIM 236700.

Submission:

Labcorp Genetics (formerly Invitae), Labcorp
Classification: Pathogenic for McKusick-Kaufman syndrome; Bardet-Biedl syndrome. Last evaluated: 2019-08-22. Review status: criteria provided, single submitter. Criteria: Invitae Variant Classification Sherloc (09022015). Collection method: clinical testing. Allele origin: germline.
Comment: For these reasons, this variant has been classified as Pathogenic. Loss-of-function variants in MKKS are known to be pathogenic (PMID: 12107442, 20177705). This variant has not been reported in the literature in individuals with MKKS-related conditions. This variant is not present in population databases (ExAC no frequency). This sequence change creates a premature translational stop signal (p.Pro16Hisfs*2) in the MKKS gene. It is expected to result in an absent or disrupted protein product.

Literature cited by the submitters: PubMed 12107442; PubMed 20177705.